The following is an entry in ClinVar:

NM_000238.4(KCNH2):c.1747A>G (p.Ile583Val)

Gene: KCNH2 (potassium voltage-gated channel subfamily H member 2; minus strand). Cytogenetic location: 7q36.1.
Variant type: single nucleotide variant.
Coding change: c.1747A>G on transcript NM_000238.4 (MANE Select); coding-DNA position 1747, A replaced by G.
Protein change: p.Ile583Val; replaces isoleucine 583 with valine.
Molecular consequence: missense variant.
Genome position (GRCh38, 1-based): chr7:150,951,646, T>C on the plus strand (A>G on the coding strand, the complement: KCNH2 is on the minus strand). VCF-style: chr7-150951646-T-C. GRCh37 (hg19) VCF-style: chr7-150648734-T-C.
Other names: c.1747A>G (LRG_288t1); c.727A>G, p.Ile243Val (NM_001204798.2, NM_172057.3); c.1459A>G, p.Ile487Val (NM_001406753.1, NM_001406756.1); c.1570A>G, p.Ile524Val (NM_001406755.1); c.1447A>G, p.Ile483Val (NM_001406757.1); c.1747A>G, p.Ile583Val (NM_172056.3); short protein forms I243V, I583V, I524V, I483V, I487V.
Identifiers: ClinVar variation 67259 (VCV000067259.9), dbSNP rs199473427, ClinGen allele CA005358.

ClinVar aggregate classification (germline): Uncertain significance. Review status: criteria provided, multiple submitters, no conflicts (2 of 4 stars). 4 submissions from 4 submitters: Uncertain significance (3). 1 of the submissions does not count toward it. Last evaluated 2025-06-24.

Conditions:
Cardiac arrhythmia. Also called: Arrhythmia; Cardiac rhythm disease. Identifiers: MedGen C0003811, MONDO:0007263, HP:0011675.
Familial long QT syndrome (RWS). Also called: Congenital long QT syndrome; Romano-Ward syndrome; VENTRICULAR FIBRILLATION WITH PROLONGED QT INTERVAL. Identifiers: Orphanet 768, MedGen C1141890, MONDO:0019171.
Long QT syndrome (LQTS). Identifiers: MedGen C0023976, MeSH D008133, MONDO:0002442. Disease mechanism: loss of function. Inheritance: Various modes of inheritance.

Allele frequency attached by ClinVar (database versions not stated): gnomAD exomes below 0.00001.
gnomAD v4.1: 3 of 1,614,248 alleles (0.00019%); highest among the groups gnomAD compares: Non-Finnish European, 0.00025%; no homozygotes.

Submissions (4):

Color Diagnostics, LLC DBA Color Health
Classification: Uncertain significance for Cardiac arrhythmia. Last evaluated: 2025-06-24. Review status: criteria provided, single submitter. Criteria: ACMG Guidelines, 2015. Collection method: clinical testing. Allele origin: germline.
Comment: This missense variant replaces isoleucine with valine at codon 583 of the KCNH2 protein. This variant is located within the conserved transmembrane-spanning S5/pore (aa 569-611) of the KCNH2 protein. Rare non-truncating variants in this region have been shown to be significantly overrepresented in individuals with long QT syndrome (PMID: 32893267). Computational prediction suggests that this variant may have a deleterious impact on protein structure and function. To our knowledge, functional studies have not been reported for this variant. This variant has been reported in a few individuals affected with long QT syndrome (PMID: 23158531, 32893267). This variant has not been identified in the general population by the Genome Aggregation Database (gnomAD). The available evidence is insufficient to determine the role of this variant in disease conclusively. Therefore, this variant is classified as a Variant of Uncertain Significance.

Labcorp Genetics (formerly Invitae), Labcorp
Classification: Uncertain significance for Long QT syndrome. Last evaluated: 2024-05-30. Review status: criteria provided, single submitter. Criteria: Invitae Variant Classification Sherloc (09022015). Collection method: clinical testing. Allele origin: germline.
Comment: This sequence change replaces isoleucine, which is neutral and non-polar, with valine, which is neutral and non-polar, at codon 583 of the KCNH2 protein (p.Ile583Val). This variant is not present in population databases (gnomAD no frequency). This missense change has been observed in individual(s) with long QT syndrome (PMID: 17438609, 23158531). ClinVar contains an entry for this variant (Variation ID: 67259). An algorithm developed to predict the effect of missense changes on protein structure and function (PolyPhen-2) suggests that this variant is likely to be disruptive. In summary, the available evidence is currently insufficient to determine the role of this variant in disease. Therefore, it has been classified as a Variant of Uncertain Significance.

All of Us Research Program, National Institutes of Health
Classification: Uncertain significance for Long QT syndrome. Last evaluated: 2023-08-15. Review status: criteria provided, single submitter. Criteria: ACMG Guidelines, 2015. Collection method: clinical testing. Allele origin: germline. Inheritance: Autosomal dominant inheritance. Observed: 1 variant allele, 1 heterozygote.
Comment: This missense variant replaces isoleucine with valine at codon 583 of the KCNH2 protein. Computational prediction suggests that this variant may have deleterious impact on protein structure and function (internally defined REVEL score threshold >= 0.7, PMID: 27666373). To our knowledge, functional studies have not been reported for this variant. This variant has been reported in a few individuals affected with long QT syndrome (PMID: 23158531, 32893267). This variant has not been identified in the general population by the Genome Aggregation Database (gnomAD). The available evidence is insufficient to determine the role of this variant in disease conclusively. Therefore, this variant is classified as a Variant of Uncertain Significance.

This study involves interpretation of variants in research participants for the purpose of population health screening. Participant phenotype was not available at the time of variant classification. Additional details can be found in publication PMID: 35346344, PMCID: PMC8962531

Cardiovascular Biomedical Research Unit, Royal Brompton & Harefield NHS Foundation Trust
No classification provided. Condition: Familial long QT syndrome. Review status: no classification provided. Collection method: literature only. Allele origin: germline. Not counted in ClinVar's aggregate classification.
Comment: This variant has been reported as associated with Long QT syndrome in the following publications (PMID:17438606;PMID:17438609). This is a literature report, and does not necessarily reflect the clinical interpretation of the Imperial College / Royal Brompton Cardiovascular Genetics laboratory.

Literature cited by the submitters: PubMed 23158531 (cited by 3 submitters); PubMed 32893267 (cited by Color Diagnostics, LLC DBA Color Health and All of Us Research Program, National Institutes of Health); PubMed 17438609 (cited by Labcorp Genetics (formerly Invitae), Labcorp and Cardiovascular Biomedical Research Unit, Royal Brompton & Harefield NHS Foundation Trust); PubMed 17438606 (cited by Cardiovascular Biomedical Research Unit, Royal Brompton & Harefield NHS Foundation Trust); PubMed 22581653 (cited by Cardiovascular Biomedical Research Unit, Royal Brompton & Harefield NHS Foundation Trust).